The following is an entry in ClinVar:

NM_000642.3(AGL):c.974_975insA (p.Lys326fs)

Gene: AGL (amylo-alpha-1,6-glucosidase and 4-alpha-glucanotransferase; plus strand). Cytogenetic location: 1p21.2.
Variant type: Insertion.
Coding change: c.974_975insA on transcript NM_000642.3 (MANE Select); coding-DNA positions 974 to 975, A inserted.
Protein change: p.Lys326fs; shifts the reading frame from lysine 326.
Molecular consequence: frameshift variant.
Genome position: GRCh38 VCF-style: chr1-99874702-C-CA. GRCh37 (hg19) VCF-style: chr1-100340258-C-CA.
Other names: c.974_975insA, p.Lys326fs (NM_000028.3, NM_000643.3, NM_000644.3 and 3 more transcripts); c.926_927insA, p.Lys310fs (NM_000646.3); c.770_771insA, p.Lys258fs (NM_001425328.1, NM_001425329.1); c.596_597insA, p.Lys200fs (NM_001425332.1); short protein forms K200fs, K258fs, K310fs, K326fs.
Identifiers: ClinVar variation 4814462 (VCV004814462.1).

ClinVar aggregate classification (germline): Pathogenic (1 of 4 stars; one submission).

Conditions:
Glycogen storage disease type III (GSD3). Also called: FORBES DISEASE; Cori disease. Identifiers: Orphanet 366, MedGen C0017922, MONDO:0009291, OMIM 232400.

Submission:

Natera, Inc.
Classification: Pathogenic for Glycogen storage disease type III. Last evaluated: 2024-11-21. Review status: criteria provided, single submitter. Criteria: Natera Variant Classification Schema (03/2026). Collection method: clinical testing. Allele origin: germline.
Comment: The c.974_975insA variant in AGL is a frameshift variant predicted to shift the reading frame beginning at codon 326 and leads to a stop codon 3 codons downstream. This variant is expected to result in nonsense mediated decay, truncation, or a dysfunctional protein product. This variant is rare in the general population with a frequency below the threshold expected for the associated phenotype(s). This variant has been observed in one or more individuals affected with the associated recessive disease, as either homozygous or compound heterozygous with a second variant (PMID: 32772503). Given the available evidence, this variant is classified as Pathogenic.

Literature cited by the submitters: PubMed 32772503.